The following is an entry in ClinVar:

NM_001040108.2(MLH3):c.2026A>G (p.Arg676Gly)

Gene: MLH3 (mutL homolog 3; minus strand). Cytogenetic location: 14q24.3.
Variant type: single nucleotide variant.
Coding change: c.2026A>G on transcript NM_001040108.2 (MANE Select); coding-DNA position 2026, A replaced by G.
Protein change: p.Arg676Gly; replaces arginine 676 with glycine.
Molecular consequence: missense variant.
Genome position (GRCh38, 1-based): chr14:75,047,630, T>C on the plus strand (A>G on the coding strand, the complement: MLH3 is on the minus strand). VCF-style: chr14-75047630-T-C. GRCh37 (hg19) VCF-style: chr14-75514333-T-C.
Other names: c.2026A>G, p.Arg676Gly (NM_014381.3); short protein forms R676G.
Identifiers: ClinVar variation 1060762 (VCV001060762.12), dbSNP rs766265028, ClinGen allele CA7275777.

ClinVar aggregate classification (germline): Uncertain significance. Review status: criteria provided, multiple submitters, no conflicts (2 of 4 stars). 2 submissions from 2 submitters: Uncertain significance (2). Last evaluated 2025-02-08.

Conditions:
Colorectal cancer, hereditary nonpolyposis, type 7. Identifiers: Orphanet 144, MedGen C1858380, MONDO:0013725, OMIM 614385.

Allele frequency attached by ClinVar (database versions not stated): gnomAD exomes below 0.00001 and 0.00001; ExAC 0.00001.
gnomAD v4.1: 1 of 1,614,040 alleles (0.000062%); highest among the groups gnomAD compares: Non-Finnish European, 0.000085%; no homozygotes.

Submissions (2):

Ambry Genetics
Classification: Uncertain significance. Last evaluated: 2025-02-08. Review status: criteria provided, single submitter. Criteria: Ambry Variant Classification Scheme 2023. Collection method: clinical testing. Allele origin: germline.
Comment: The p.R676G variant (also known as c.2026A>G), located in coding exon 1 of the MLH3 gene, results from an A to G substitution at nucleotide position 2026. The arginine at codon 676 is replaced by glycine, an amino acid with dissimilar properties. This amino acid position is conserved. In addition, this alteration is predicted to be tolerated by in silico analysis. Since supporting evidence is limited at this time, the clinical significance of this alteration remains unclear.

Labcorp Genetics (formerly Invitae), Labcorp
Classification: Uncertain significance for Colorectal cancer, hereditary nonpolyposis, type 7. Last evaluated: 2022-07-18. Review status: criteria provided, single submitter. Criteria: Invitae Variant Classification Sherloc (09022015). Collection method: clinical testing. Allele origin: germline.
Comment: In summary, the available evidence is currently insufficient to determine the role of this variant in disease. Therefore, it has been classified as a Variant of Uncertain Significance. Algorithms developed to predict the effect of missense changes on protein structure and function output the following: SIFT: "Tolerated"; PolyPhen-2: "Benign"; Align-GVGD: "Class C0". The glycine amino acid residue is found in multiple mammalian species, which suggests that this missense change does not adversely affect protein function. This variant has not been reported in the literature in individuals affected with MLH3-related conditions. This sequence change replaces arginine, which is basic and polar, with glycine, which is neutral and non-polar, at codon 676 of the MLH3 protein (p.Arg676Gly). This variant is present in population databases (rs766265028, gnomAD 0.002%). ClinVar contains an entry for this variant (Variation ID: 1060762).